The following is an entry in ClinVar:

ClinVar aggregate classification (germline): Uncertain significance (1 of 4 stars; one submission).

Submission:

GeneDx
Classification: Uncertain significance. Last evaluated: 2026-09-11. Review status: criteria provided, single submitter. Criteria: GeneDx Variant Classification Process June 2021. Collection method: clinical testing. Allele origin: germline.
Comment: Not observed at significant frequency in large population cohorts (gnomAD); In silico analysis supports that this missense variant has a deleterious effect on protein structure/function; Has not been previously published as pathogenic or benign to our knowledge

NM_004500.4(HNRNPC):c.433C>T (p.Arg145Cys)

Gene: HNRNPC (heterogeneous nuclear ribonucleoprotein C; minus strand). Cytogenetic location: 14q11.2.
Variant type: single nucleotide variant.
Coding change: c.433C>T on transcript NM_004500.4 (MANE Select); coding-DNA position 433, C replaced by T.
Protein change: p.Arg145Cys; replaces arginine 145 with cysteine.
Molecular consequence: missense variant.
Genome position (GRCh38, 1-based): chr14:21,213,050, G>A on the plus strand (C>T on the coding strand, the complement: HNRNPC is on the minus strand). VCF-style: chr14-21213050-G-A. GRCh37 (hg19) VCF-style: chr14-21681209-G-A.
Other names: c.433C>T, p.Arg145Cys (NM_001077443.2); c.472C>T, p.Arg158Cys (NM_031314.3, NM_001077442.2); short protein forms R145C, R158C.
Identifiers: ClinVar variation 3766271 (VCV003766271.2).